The following is an entry in ClinVar:

ClinVar aggregate classification (germline): Pathogenic (1 of 4 stars; one submission).

Conditions:
Neurodevelopmental disorder with microcephaly, seizures, and cortical atrophy. Identifiers: MedGen C4540493, MONDO:0060621, OMIM 617802.

gnomAD v4.1: 17 of 1,606,312 alleles (0.0011%); highest among the groups gnomAD compares: Non-Finnish European, 0.0013%; no homozygotes.

Submission:

Victorian Clinical Genetics Services, Murdoch Childrens Research Institute
Classification: Pathogenic for Neurodevelopmental disorder with microcephaly, seizures, and cortical atrophy. Last evaluated: 2026-01-28. Review status: criteria provided, single submitter. Criteria: ACMG Guidelines, 2015. Collection method: clinical testing. Allele origin: germline. Affected: yes.
Comment: This variant is classified as Pathogenic. Evidence in support of pathogenic classification: Variant is predicted to cause nonsense-mediated decay (NMD) and loss of protein (premature termination codon is located at least 54 nucleotides upstream of the final exon-exon junction); Variant is present in gnomAD <0.01 for a recessive condition (v4: 17 heterozygote(s), 0 homozygote(s)); Other NMD-predicted variant(s) comparable to the one identified in this case have very strong previous evidence for pathogenicity (DECIPHER). Additional information: This variant is heterozygous; This gene is associated with autosomal recessive disease; This variant has no previous evidence of pathogenicity; No published segregation evidence has been identified for this variant; No published functional evidence has been identified for this variant; Loss of function is a known mechanism of disease in this gene and is associated with neurodevelopmental disorder with microcephaly, seizures, and cortical atrophy (MIM#617802); Variants in this gene are known to have variable expressivity (PMID: 30755616, 30755602).

Literature cited by the submitters: PubMed 30755616; PubMed 30755602.

NM_006295.3(VARS1):c.3463C>T (p.Gln1155Ter)

Gene: VARS1 (valyl-tRNA synthetase 1; minus strand). Cytogenetic location: 6p21.33.
Variant type: single nucleotide variant.
Coding change: c.3463C>T on transcript NM_006295.3 (MANE Select); coding-DNA position 3463, C replaced by T.
Protein change: p.Gln1155Ter; replaces glutamine 1155 with a stop codon.
Molecular consequence: nonsense.
Genome position (GRCh38, 1-based): chr6:31,779,230, G>A on the plus strand (C>T on the coding strand, the complement: VARS1 is on the minus strand). VCF-style: chr6-31779230-G-A. GRCh37 (hg19) VCF-style: chr6-31747007-G-A.
Other names: short protein forms Q1155*.
Identifiers: ClinVar variation 4532026 (VCV004532026.2).